The following is an entry in ClinVar:

NM_001375524.1(TRRAP):c.4717C>T (p.Pro1573Ser)

Gene: TRRAP (transformation/transcription domain associated protein; plus strand). Cytogenetic location: 7q22.1.
Variant type: single nucleotide variant.
Coding change: c.4717C>T on transcript NM_001375524.1 (MANE Select); coding-DNA position 4717, C replaced by T.
Protein change: p.Pro1573Ser; replaces proline 1573 with serine.
Molecular consequence: missense variant.
Genome position (GRCh38, 1-based): chr7:98,948,614, C>T. VCF-style: chr7-98948614-C-T. GRCh37 (hg19) VCF-style: chr7-98546237-C-T.
Other names: c.4642C>T (NM_003496.3); c.4696C>T, p.Pro1566Ser (NM_001244580.2); c.4642C>T, p.Pro1548Ser (NM_003496.4); short protein forms P1548S, P1573S, P1566S.
Identifiers: ClinVar variation 4706831 (VCV004706831.2).

ClinVar aggregate classification (germline): Uncertain significance. Review status: criteria provided, multiple submitters, no conflicts (2 of 4 stars). 2 submissions from 2 submitters: Uncertain significance (2). Last evaluated 2026-02-16.

Conditions:
TRRAP-related disorder. Also called: TRRAP-related condition.

gnomAD v4.1: 5 of 1,614,078 alleles (0.00031%); highest among the groups gnomAD compares: African/African-American, 0.0067%; no homozygotes.

Submissions (2):

PreventionGenetics, part of Exact Sciences
Classification: Uncertain significance for TRRAP-related condition. Last evaluated: 2026-02-16. Review status: criteria provided, single submitter. Criteria: ACMG Guidelines, 2015. Collection method: clinical testing. Allele origin: germline.
Comment: The TRRAP c.4642C>T variant is predicted to result in the amino acid substitution p.Pro1548Ser. To our knowledge, this variant has not been reported in the literature. This variant is reported in 0.016% of alleles in individuals of African descent in gnomAD. At this time, the clinical significance of this variant is uncertain due to the absence of conclusive functional and genetic evidence.

Labcorp Genetics (formerly Invitae), Labcorp
Classification: Uncertain significance. Last evaluated: 2025-06-13. Review status: criteria provided, single submitter. Criteria: Invitae Variant Classification Sherloc (09022015). Collection method: clinical testing. Allele origin: germline.
Comment: This sequence change replaces proline, which is neutral and non-polar, with serine, which is neutral and polar, at codon 1548 of the TRRAP protein (p.Pro1548Ser). This variant is present in population databases (rs376690567, gnomAD 0.02%). This variant has not been reported in the literature in individuals affected with TRRAP-related conditions. Invitae Evidence Modeling of protein sequence and biophysical properties (such as structural, functional, and spatial information, amino acid conservation, physicochemical variation, residue mobility, and thermodynamic stability) has been performed for this missense variant. However, the output from this modeling did not meet the statistical confidence thresholds required to predict the impact of this variant on TRRAP protein function. In summary, the available evidence is currently insufficient to determine the role of this variant in disease. Therefore, it has been classified as a Variant of Uncertain Significance.